The following is an entry in ClinVar:

ClinVar aggregate classification (germline): Pathogenic (0 of 4 stars; one submission).

Conditions:
Pyruvate dehydrogenase E1-alpha deficiency (PDHAD). Also called: ATAXIA, INTERMITTENT, WITH PYRUVATE DEHYDROGENASE DEFICIENCY; ATAXIA WITH LACTIC ACIDOSIS I; ATAXIA, INTERMITTENT, WITH ABNORMAL PYRUVATE METABOLISM; Ataxia, intermittent, with pyruvate dehydrogenase, or decarboxylase, deficiency. Identifiers: Orphanet 79243, MedGen C1839413, MONDO:0010717, OMIM 312170.

Submission:

PDHA1 Study Group, University Children’s Hospital, Paracelsus Medical University
Classification: Pathogenic for Pyruvate dehydrogenase E1-alpha deficiency. Last evaluated: 2024-10-15. Review status: no assertion criteria provided. Collection method: research. Allele origin: germline. Affected: yes. Observed: 1 variant allele.
Comment: The NM_000284.3:c.913_929dup (p.Arg311LysfsTer6) change is a frameshift variant in PDHA1 gene. This variant is predicted to result in nonsense-mediated decay (NMD). Last literature search: July 12, 2024. This variant is absent or extremely rare in population-based cohorts in the Genome Aggregation Database (gnomAD). Individuals harboring this variant presented with clinical features compatible with PDHA1-related PDHc deficiency. In summary, this variant meets criteria to be classified as pathogenic (P) for PDHA1-related PDHc deficiency based on the ACMG/AMP criteria applied: PVS1, PS3, PM2 (last assessment October 15, 2024).

Literature cited by the submitters: DOI 10.1093/brain/awaf430.

NM_000284.4(PDHA1):c.913_929dup (p.Arg311fs)

Gene: PDHA1 (pyruvate dehydrogenase E1 subunit alpha 1; plus strand). Cytogenetic location: Xp22.12.
Variant type: Duplication.
Coding change: c.913_929dup on transcript NM_000284.4 (MANE Select); coding-DNA positions 913 to 929, 17 bases duplicated (GAAGAAATTCAGGAAGT).
Protein change: p.Arg311fs; shifts the reading frame from arginine 311.
Molecular consequence: frameshift variant.
Genome position (GRCh38, 1-based): chrX:19,358,929-19,358,945, GAAGAAATTCAGGAAGT duplicated. VCF-style (leftmost placement, unchanged base first): chrX-19358928-A-AGAAGAAATTCAGGAAGT. GRCh37 (hg19) VCF-style: chrX-19377046-A-AGAAGAAATTCAGGAAGT.
Other names: c.1027_1043dup, p.Arg349fs (NM_001173454.2); c.934_950dup, p.Arg318fs (NM_001173455.2); c.820_836dup, p.Arg280fs (NM_001173456.2); short protein forms R280fs, R311fs, R318fs, R349fs.
Identifiers: ClinVar variation 4070399 (VCV004070399.1).